The following is an entry in ClinVar:

ClinVar aggregate classification (germline): Pathogenic (1 of 4 stars; one submission).

Conditions:
Primary ciliary dyskinesia. Also called: Ciliary dyskinesia. Identifiers: Orphanet 244, MedGen C0008780, MONDO:0016575, HP:0012265.

gnomAD v4.1: 1 of 1,612,806 alleles (0.000062%); highest among the groups gnomAD compares: Non-Finnish European, 0.000085%; no homozygotes.

Submission:

Natera, Inc.
Classification: Pathogenic for Primary ciliary dyskinesia. Last evaluated: 2024-03-18. Review status: criteria provided, single submitter. Criteria: Natera Variant Classification Schema (03/2026). Collection method: clinical testing. Allele origin: germline.
Comment: The c.5710-1G>A variant in DNAH5 is a canonical splice acceptor site variant predicted to affect pre-mRNA splicing, which may result in an abnormal transcript and altered protein product. This variant is expected to result in nonsense mediated decay, truncation, or a dysfunctional protein product. This variant is rare in the general population with a frequency below the threshold expected for the associated phenotype(s). Another variant at this same site results in an alteration predicted to cause a similar molecular effect has been observed in individual(s) with the associated phenotype. Given the available evidence, this variant is classified as Pathogenic.

NM_001369.3(DNAH5):c.5710-1G>A

Gene: DNAH5 (dynein axonemal heavy chain 5; minus strand). Cytogenetic location: 5p15.2.
Variant type: single nucleotide variant.
Coding change: c.5710-1G>A on transcript NM_001369.3 (MANE Select); the canonical splice acceptor site of the intron before coding-DNA position 5710, G replaced by A.
Molecular consequence: splice acceptor variant.
Genome position (GRCh38, 1-based): chr5:13,839,529, C>T on the plus strand (G>A on the coding strand, the complement: DNAH5 is on the minus strand). VCF-style: chr5-13839529-C-T. GRCh37 (hg19) VCF-style: chr5-13839638-C-T.
Identifiers: ClinVar variation 4814900 (VCV004814900.1).